The following is an entry in ClinVar:

ClinVar aggregate classification (germline): Uncertain significance. Review status: criteria provided, multiple submitters, no conflicts (2 of 4 stars). 2 submissions from 2 submitters: Uncertain significance (2). Last evaluated 2025-06-18.

Conditions:
Inborn genetic diseases. Identifiers: MedGen C0950123, MeSH D030342.

Allele frequency attached by ClinVar (database versions not stated): ExAC 0.00001; gnomAD exomes 0.00002; gnomAD 0.00005 and 0.00006; ESP Exome Variant Server 0.00009; TOPMed 0.00011.
gnomAD v4.1: 27 of 1,609,752 alleles (0.0017%); highest among the groups gnomAD compares: African/African-American, 0.033%; no homozygotes.

Submissions (2):

Ambry Genetics
Classification: Uncertain significance for Inborn genetic diseases. Last evaluated: 2025-06-18. Review status: criteria provided, single submitter. Criteria: Ambry Variant Classification Scheme 2023. Collection method: clinical testing. Allele origin: germline.

Labcorp Genetics (formerly Invitae), Labcorp
Classification: Uncertain significance. Last evaluated: 2025-04-11. Review status: criteria provided, single submitter. Criteria: Invitae Variant Classification Sherloc (09022015). Collection method: clinical testing. Allele origin: germline.
Comment: This sequence change replaces glycine, which is neutral and non-polar, with valine, which is neutral and non-polar, at codon 510 of the TNFRSF11A protein (p.Gly510Val). This variant is present in population databases (rs144544966, gnomAD 0.03%). This variant has not been reported in the literature in individuals affected with TNFRSF11A-related conditions. ClinVar contains an entry for this variant (Variation ID: 1383356). An algorithm developed to predict the effect of missense changes on protein structure and function (PolyPhen-2) suggests that this variant is likely to be disruptive. In summary, the available evidence is currently insufficient to determine the role of this variant in disease. Therefore, it has been classified as a Variant of Uncertain Significance.

NM_003839.4(TNFRSF11A):c.1529G>T (p.Gly510Val)

Gene: TNFRSF11A (TNF receptor superfamily member 11a; plus strand). Cytogenetic location: 18q21.33.
Variant type: single nucleotide variant.
Coding change: c.1529G>T on transcript NM_003839.4 (MANE Select); coding-DNA position 1529, G replaced by T.
Protein change: p.Gly510Val; replaces glycine 510 with valine.
Molecular consequence: missense variant. On other transcripts: intron variant (3).
Genome position (GRCh38, 1-based): chr18:62,369,446, G>T. VCF-style: chr18-62369446-G-T. GRCh37 (hg19) VCF-style: chr18-60036679-G-T.
Other names: c.1529G>T (NM_003839.2); c.1487G>T, p.Gly496Val (NM_001278268.2); c.783+2686G>T (NM_001270949.2); c.730+7653G>T (NM_001270950.2); c.616+9397G>T (NM_001270951.2); short protein forms G510V, G496V.
Identifiers: ClinVar variation 1383356 (VCV001383356.9), dbSNP rs144544966, ClinGen allele CA8983982.